The following is an entry in ClinVar:

ClinVar aggregate classification (germline): Conflicting classifications of pathogenicity. Review status: criteria provided, conflicting classifications (1 of 4 stars). 2 submissions from 2 submitters: Uncertain significance (1); Likely benign (1). Last evaluated 2025-05-27.

Conditions:
Hereditary spastic paraplegia 30. Identifiers: Orphanet 101010, MedGen C5235139, MONDO:0012476.
Neuropathy, hereditary sensory, type 2C. Also called: Hereditary sensory and autonomic neuropathy type IIC; KIF1A-Related HSAN2 (HSAN2C). Identifiers: Orphanet 970, MedGen C3280168, MONDO:0013634, OMIM 614213.
Intellectual disability, autosomal dominant 9 (NESCAVS). Also called: NESCAV SYNDROME; KIF1A-Related Neurodevelopmental Disorder. Identifiers: Orphanet 662367, MedGen C5393830, MONDO:0013656, OMIM 614255.

Allele frequency attached by ClinVar (database versions not stated): TOPMed below 0.00001; gnomAD 0.00001; gnomAD exomes 0.00002.
gnomAD v4.1: 23 of 1,612,240 alleles (0.0014%); highest among the groups gnomAD compares: Non-Finnish European, 0.0019%; no homozygotes.

Submissions (2):

Department of Paediatrics at Addenbrookes, Cambridge University Hospitals NHS Foundation Trust (UK)
Classification: Uncertain significance for Intellectual disability, autosomal dominant 9. Last evaluated: 2025-05-27. Review status: criteria provided, single submitter. Criteria: Durkie Uk Practice Guidelines For Variant Classification V12 2024 (1). Collection method: clinical testing. Allele origin: unknown.
Comment: PP2_Supporting; PP3_Supporting

Labcorp Genetics (formerly Invitae), Labcorp
Classification: Likely benign for Hereditary spastic paraplegia 30; Neuropathy, hereditary sensory, type 2C; Intellectual disability, autosomal dominant 9. Last evaluated: 2024-06-24. Review status: criteria provided, single submitter. Criteria: Invitae Variant Classification Sherloc (09022015). Collection method: clinical testing. Allele origin: germline.

NM_001244008.2(KIF1A):c.4141C>A (p.Pro1381Thr)

Gene: KIF1A (kinesin family member 1A; minus strand). Cytogenetic location: 2q37.3.
Variant type: single nucleotide variant.
Coding change: c.4141C>A on transcript NM_001244008.2 (MANE Select); coding-DNA position 4141, C replaced by A.
Protein change: p.Pro1381Thr; replaces proline 1381 with threonine.
Molecular consequence: missense variant.
Genome position (GRCh38, 1-based): chr2:240,725,386, G>T on the plus strand (C>A on the coding strand, the complement: KIF1A is on the minus strand). VCF-style: chr2-240725386-G-T. GRCh37 (hg19) VCF-style: chr2-241664803-G-T.
Other names: c.3865C>A, p.Pro1289Thr (NM_001320705.2, NM_001379649.1); c.3892C>A, p.Pro1298Thr (NM_001330289.2); c.3940C>A, p.Pro1314Thr (NM_001330290.2, NM_001379648.1); c.4216C>A, p.Pro1406Thr (NM_001379631.1); c.4117C>A, p.Pro1373Thr (NM_001379632.1); c.4114C>A, p.Pro1372Thr (NM_001379633.1, NM_001379645.1); c.3967C>A, p.Pro1323Thr (NM_001379634.1); c.3964C>A, p.Pro1322Thr (NM_001379635.1, NM_001379646.1); and 7 more; short protein forms P1280T, P1288T, P1289T, P1323T, P1279T, P1314T, P1318T, P1406T.
Identifiers: ClinVar variation 1903629 (VCV001903629.6), dbSNP rs1267604574, ClinGen allele CA351308275.